The following is an entry in ClinVar:

NM_015192.4(PLCB1):c.62G>A (p.Ser21Asn)

Gene: PLCB1 (phospholipase C beta 1; plus strand). Cytogenetic location: 20p12.3.
Variant type: single nucleotide variant.
Coding change: c.62G>A on transcript NM_015192.4 (MANE Select); coding-DNA position 62, G replaced by A.
Protein change: p.Ser21Asn; replaces serine 21 with asparagine.
Molecular consequence: missense variant.
Genome position (GRCh38, 1-based): chr20:8,132,713, G>A. VCF-style: chr20-8132713-G-A. GRCh37 (hg19) VCF-style: chr20-8113360-G-A.
Other names: c.62G>A, p.Ser21Asn (NM_182734.3); short protein forms S21N.
Identifiers: ClinVar variation 1359703 (VCV001359703.6), dbSNP rs2122992000, ClinGen allele CA408260922.

ClinVar aggregate classification (germline): Uncertain significance (1 of 4 stars; one submission).

Conditions:
Developmental and epileptic encephalopathy, 12 (DEE12). Identifiers: MedGen C3150988, MONDO:0013389, OMIM 613722.

Submission:

Labcorp Genetics (formerly Invitae), Labcorp
Classification: Uncertain significance for Developmental and epileptic encephalopathy, 12. Last evaluated: 2021-08-22. Review status: criteria provided, single submitter. Criteria: Invitae Variant Classification Sherloc (09022015). Collection method: clinical testing. Allele origin: germline.
Comment: In summary, the available evidence is currently insufficient to determine the role of this variant in disease. Therefore, it has been classified as a Variant of Uncertain Significance. Algorithms developed to predict the effect of missense changes on protein structure and function output the following: SIFT: "Tolerated"; PolyPhen-2: "Benign"; Align-GVGD: "Class C0". The asparagine amino acid residue is found in multiple mammalian species, which suggests that this missense change does not adversely affect protein function. This variant has not been reported in the literature in individuals affected with PLCB1-related conditions. This variant is not present in population databases (ExAC no frequency). This sequence change replaces serine with asparagine at codon 21 of the PLCB1 protein (p.Ser21Asn). The serine residue is weakly conserved and there is a small physicochemical difference between serine and asparagine.